The following is an entry in ClinVar:

ClinVar aggregate classification (germline): Uncertain significance (1 of 4 stars; one submission).

Allele frequency attached by ClinVar (database versions not stated): gnomAD exomes below 0.00001.
gnomAD v4.1: 2 of 1,614,246 alleles (0.00012%); highest among the groups gnomAD compares: Non-Finnish European, 0.00017%; no homozygotes.

Submission:

GeneDx
Classification: Uncertain significance. Last evaluated: 2012-06-06. Review status: criteria provided, single submitter. Criteria: GeneDx Variant Classification (06012015). Collection method: clinical testing. Allele origin: germline. Affected: yes.
Comment: p.Ile737Val (ATC>GTC): c.2209 A>G in exon 17 of the SPTAN1 gene (NM_001130438.1) The Ile737Val missense substitution has not been published as a mutation, nor has it been reported as a benign polymorphism to our knowledge. The NHLBI ESP Exome Variant Project did not identify Ile737Val in approximately 5000 individuals of European or African American ethnicity, indicating that it is not a common benign variant in these populations. The amino acid substitution is conservative, as both Valine and Isoleucine are uncharged, non-polar amino acids. Ile737Val alters conserved position in the alpha-II spectrin protein; however, previously reported pathogenic mutations in SPTAN1 are located within the last four spectrin repeats, which are essential for dimerization (Saitsu et al., 2010), while the Ile737 residue is outside this region. Multiple in silico models predict the Ile737Val substitution is benign, although another predicts it may be damaging to protein structure/function. These findings suggest that Ile737Val is likely a rare benign variant; however, the possibility that it is disease-associated cannot be excluded at present. The variant is found in INFANT-EPI panel(s).

NM_001130438.3(SPTAN1):c.2209A>G (p.Ile737Val)

Gene: SPTAN1 (spectrin alpha, non-erythrocytic 1; plus strand). Cytogenetic location: 9q34.11.
Variant type: single nucleotide variant.
Coding change: c.2209A>G on transcript NM_001130438.3 (MANE Select); coding-DNA position 2209, A replaced by G.
Protein change: p.Ile737Val; replaces isoleucine 737 with valine.
Molecular consequence: missense variant.
Genome position (GRCh38, 1-based): chr9:128,584,297, A>G. VCF-style: chr9-128584297-A-G. GRCh37 (hg19) VCF-style: chr9-131346576-A-G.
Other names: p.I737V:ATC>GTC; c.2209A>G, p.Ile737Val (NM_001195532.2, NM_001363759.2, NM_001363765.2 and 1 more transcripts); short protein forms I737V.
Identifiers: ClinVar variation 207324 (VCV000207324.2), dbSNP rs1129922, ClinGen allele CA318680.
Genomic context (GRCh38, chr9:128,584,297, plus strand): 5'-AACCACACCCAAAGTAAAGTCTGCTCTGTCCTTTTGCATTCCCAGGACCGAATTGATGGC[A>G]TCACCATTCAGGCCCGCCAGTTCCAAGATGCTGGCCATTTTGATGCAGAAAACATCAAGA-3'
Protein context (NP_001123910.1, residues 727-747): VAAHQDRIDG[Ile737Val]TIQARQFQDA